The following is an entry in ClinVar:

ClinVar aggregate classification (germline): Likely benign. Review status: criteria provided, multiple submitters, no conflicts (2 of 4 stars). 3 submissions from 3 submitters: Likely benign (3). Last evaluated 2025-11-28.

Conditions:
PCARE-related disorder. Also called: PCARE-related condition.

Allele frequency attached by ClinVar (database versions not stated): gnomAD exomes 0.00003 and 0.00005; ESP Exome Variant Server 0.00008; ExAC 0.00012; gnomAD 0.00014 and 0.00015; TOPMed 0.00021; 1000 Genomes Project 30x 0.00031; 1000 Genomes Project 0.00040.
gnomAD v4.1: 66 of 1,606,260 alleles (0.0041%); highest among the groups gnomAD compares: African/African-American, 0.048%; no homozygotes.

Submissions (3):

Labcorp Genetics (formerly Invitae), Labcorp
Classification: Likely benign. Last evaluated: 2025-11-28. Review status: criteria provided, single submitter. Criteria: Invitae Variant Classification Sherloc (09022015). Collection method: clinical testing. Allele origin: germline.

PreventionGenetics, part of Exact Sciences
Classification: Likely benign for PCARE-related condition. Last evaluated: 2025-05-21. Review status: criteria provided, single submitter. Criteria: ACMG Guidelines, 2015. Collection method: clinical testing. Allele origin: germline.
Comment: This variant is classified as likely benign based on ACMG/AMP sequence variant interpretation guidelines (Richards et al. 2015 PMID: 25741868, with internal and published modifications).

Blueprint Genetics
Classification: Likely benign. Last evaluated: 2024-09-17. Review status: criteria provided, single submitter. Criteria: ACMG Guidelines, 2015. Collection method: clinical testing. Allele origin: germline.

NM_001029883.3(PCARE):c.3783C>T (p.His1261=)

Gene: PCARE (photoreceptor cilium actin regulator; minus strand). Cytogenetic location: 2p23.2.
Variant type: single nucleotide variant.
Coding change: c.3783C>T on transcript NM_001029883.3 (MANE Select); coding-DNA position 3783, C replaced by T.
Protein change: p.His1261=; no amino-acid change (histidine 1261 retained).
Molecular consequence: synonymous variant.
Genome position (GRCh38, 1-based): chr2:29,064,953, G>A on the plus strand (C>T on the coding strand, the complement: PCARE is on the minus strand). VCF-style: chr2-29064953-G-A. GRCh37 (hg19) VCF-style: chr2-29287819-G-A.
Other names: c.3783C>T (NM_001029883.2).
Identifiers: ClinVar variation 1109739 (VCV001109739.11), dbSNP rs201566996, ClinGen allele CA1591831.